The following is an entry in ClinVar:

ClinVar aggregate classification (germline): Uncertain significance (1 of 4 stars; one submission).

Allele frequency attached by ClinVar (database versions not stated): gnomAD exomes 0.00002; TOPMed 0.00002; gnomAD 0.00003.
gnomAD v4.1: 35 of 1,611,702 alleles (0.0022%); highest among the groups gnomAD compares: Non-Finnish European, 0.0029%; no homozygotes.

Submission:

Laboratory for Molecular Medicine, Mass General Brigham Personalized Medicine
Classification: Uncertain significance. Last evaluated: 2013-10-29. Review status: criteria provided, single submitter. Criteria: LMM Criteria. Collection method: clinical testing. Allele origin: germline. Observed: 1 variant allele.
Comment: Variant classified as Uncertain Significance - Favor Benign. The Gln1771Glu vari ant in GPR98 has not been reported in individuals with hearing loss or in large population studies. The glutamine (Gln) residue at position 1771 is not well con served in distant species and computational analyses (biochemical amino acid pro perties, AlignGVGD, PolyPhen2, and SIFT) suggest that the Gln1771Glu variant may not impact the protein. However, this information is not predictive enough to r ule out pathogenicity. In summary, the clinical significance of this variant ca nnot be determined with certainty; however based upon the conservation and compu tational data, we would lean towards a more likely benign role.

NM_032119.4(ADGRV1):c.5311C>G (p.Gln1771Glu)

Gene: ADGRV1 (adhesion G protein-coupled receptor V1; plus strand). Cytogenetic location: 5q14.3.
Variant type: single nucleotide variant.
Coding change: c.5311C>G on transcript NM_032119.4 (MANE Select); coding-DNA position 5311, C replaced by G.
Protein change: p.Gln1771Glu; replaces glutamine 1771 with glutamic acid.
Molecular consequence: missense variant. On other transcripts: non-coding transcript variant (1).
Genome position (GRCh38, 1-based): chr5:90,675,443, C>G. VCF-style: chr5-90675443-C-G. GRCh37 (hg19) VCF-style: chr5-89971260-C-G.
Other names: short protein forms Q1771E.
Identifiers: ClinVar variation 163575 (VCV000163575.4), dbSNP rs727503074, ClinGen allele CA176193.
Genomic context (GRCh38, chr5:90,675,443, plus strand): 5'-GGAAGGGTGACTGCGGAATTTAGAACAGTGTCCTTGACAGCATTCAGTCCTGAGGATTAC[C>G]AGGTAATTTACTCAGTCCTTTTGAAGTTGTATTTGCACTTGTAAAACAGACATAATCCTT-3'
Protein context (NP_115495.3, residues 1761-1781): SLTAFSPEDY[Gln1771Glu]NVAGTLEFQP